The following is an entry in ClinVar:

NM_001378452.1(ITPR1):c.855+8T>C

Gene: ITPR1 (inositol 1,4,5-trisphosphate receptor type 1; plus strand). Cytogenetic location: 3p26.1.
Variant type: single nucleotide variant.
Coding change: c.855+8T>C on transcript NM_001378452.1 (MANE Select); 8 bases into the intron after coding-DNA position 855, T replaced by C.
Molecular consequence: intron variant.
Genome position (GRCh38, 1-based): chr3:4,645,736, T>C. VCF-style: chr3-4645736-T-C. GRCh37 (hg19) VCF-style: chr3-4687420-T-C.
Other names: c.855+8T>C (NM_001099952.4, NM_001168272.2, NM_002222.7).
Identifiers: ClinVar variation 4681508 (VCV004681508.5).

ClinVar aggregate classification (germline): Uncertain significance (1 of 4 stars; one submission).

gnomAD v4.1: 15 of 1,610,828 alleles (0.00093%); highest among the groups gnomAD compares: Non-Finnish European, 0.0013%; no homozygotes.

Submission:

CeGaT Center for Human Genetics Tuebingen
Classification: Uncertain significance. Last evaluated: 2025-12-01. Review status: criteria provided, single submitter. Criteria: CeGaT Center For Human Genetics Tuebingen Variant Classification Criteria Version 2. Collection method: clinical testing. Allele origin: germline. Affected: yes. Observed: 1 variant allele.
Comment: ITPR1: PM2, BP4